The following is an entry in ClinVar:

NM_000322.5(PRPH2):c.518del (p.Asp173fs)

Gene: PRPH2 (peripherin 2; minus strand). Cytogenetic location: 6p21.1.
Variant type: Deletion.
Coding change: c.518del on transcript NM_000322.5 (MANE Select); coding-DNA position 518, one base deleted (A; older notation c.518delA).
Protein change: p.Asp173fs; shifts the reading frame from aspartic acid 173.
Molecular consequence: frameshift variant.
Genome position (GRCh38, 1-based): chr6:42,721,817, T deleted on the plus strand (A on the coding strand, the reverse complement: PRPH2 is on the minus strand). VCF-style (leftmost placement, unchanged base first): chr6-42721816-GT-G. GRCh37 (hg19) VCF-style: chr6-42689554-GT-G.
Other names: short protein forms D173fs.
Identifiers: ClinVar variation 1457239 (VCV001457239.6), dbSNP rs2152010898, ClinGen allele CA2573140733.

ClinVar aggregate classification (germline): Pathogenic (1 of 4 stars; one submission).

Conditions:
PRPH2-related disorder. Also called: PRPH2-related condition; PRPH2-related disorders. Identifiers: MedGen CN239395.

Submission:

Labcorp Genetics (formerly Invitae), Labcorp
Classification: Pathogenic for PRPH2-related disorder. Last evaluated: 2021-10-31. Review status: criteria provided, single submitter. Criteria: Invitae Variant Classification Sherloc (09022015). Collection method: clinical testing. Allele origin: germline.
Comment: This sequence change creates a premature translational stop signal (p.Asp173Alafs*83) in the PRPH2 gene. It is expected to result in an absent or disrupted protein product. Loss-of-function variants in PRPH2 are known to be pathogenic (PMID: 8111389, 8485575, 8485576, 8675410, 16916875, 17504850, 25675413, 26061163, 27365499, 29555955). This variant is not present in population databases (gnomAD no frequency). This variant has not been reported in the literature in individuals affected with PRPH2-related conditions. For these reasons, this variant has been classified as Pathogenic.

Literature cited by the submitters: PubMed 8111389; PubMed 8485575; PubMed 8485576; PubMed 8675410; PubMed 16916875; PubMed 17504850; PubMed 25675413; PubMed 26061163; PubMed 27365499; PubMed 29555955.